The following is an entry in ClinVar:

ClinVar aggregate classification (germline): Likely benign. Review status: criteria provided, multiple submitters, no conflicts (2 of 4 stars). 3 submissions from 3 submitters: Likely benign (3). Last evaluated 2025-10-08.

Conditions:
Inborn genetic diseases. Identifiers: MedGen C0950123, MeSH D030342.
Neurodevelopmental disorder with or without hyperkinetic movements and seizures, autosomal dominant. Also called: Intellectual disability, autosomal dominant 8. Identifiers: MedGen C3280282, MONDO:0013655, OMIM 614254.

Allele frequency attached by ClinVar (database versions not stated): gnomAD 0.00002; TOPMed 0.00003.
gnomAD v4.1: 13 of 1,613,454 alleles (0.00081%); highest among the groups gnomAD compares: Non-Finnish European, 0.0011%; no homozygotes.

Submissions (3):

Labcorp Genetics (formerly Invitae), Labcorp
Classification: Likely benign for Neurodevelopmental disorder with or without hyperkinetic movements and seizures, autosomal dominant. Last evaluated: 2025-10-08. Review status: criteria provided, single submitter. Criteria: Invitae Variant Classification Sherloc (09022015). Collection method: clinical testing. Allele origin: germline.

Ambry Genetics
Classification: Likely benign for Inborn genetic diseases. Last evaluated: 2020-01-30. Review status: criteria provided, single submitter. Criteria: Ambry Variant Classification Scheme 2023. Collection method: clinical testing. Allele origin: germline.

GeneDx
Classification: Likely benign. Last evaluated: 2017-02-13. Review status: criteria provided, single submitter. Criteria: GeneDx Variant Classification (06012015). Collection method: clinical testing. Allele origin: germline. Affected: yes.
Comment: This variant is considered likely benign or benign based on one or more of the following criteria: it is a conservative change, it occurs at a poorly conserved position in the protein, it is predicted to be benign by multiple in silico algorithms, and/or has population frequency not consistent with disease.

NM_007327.4(GRIN1):c.630G>A (p.Glu210=)

Gene: GRIN1 (glutamate ionotropic receptor NMDA type subunit 1; plus strand). Cytogenetic location: 9q34.3.
Variant type: single nucleotide variant.
Coding change: c.630G>A on transcript NM_007327.4 (MANE Select); coding-DNA position 630, G replaced by A.
Protein change: p.Glu210=; no amino-acid change (glutamic acid 210 retained).
Molecular consequence: synonymous variant.
Genome position (GRCh38, 1-based): chr9:137,149,068, G>A. VCF-style: chr9-137149068-G-A. GRCh37 (hg19) VCF-style: chr9-140043520-G-A.
Other names: c.630G>A, p.Glu210= (NM_000832.7, NM_021569.4); c.693G>A, p.Glu231= (NM_001185090.2, NM_001185091.2).
Identifiers: ClinVar variation 387829 (VCV000387829.12), dbSNP rs1057522916, ClinGen allele CA16606463.